The following is an entry in ClinVar:

ClinVar aggregate classification (germline): Uncertain significance (1 of 4 stars; one submission).

Submission:

Labcorp Genetics (formerly Invitae), Labcorp
Classification: Uncertain significance. Last evaluated: 2023-12-04. Review status: criteria provided, single submitter. Criteria: Invitae Variant Classification Sherloc (09022015). Collection method: clinical testing. Allele origin: germline.
Comment: This sequence change replaces cysteine, which is neutral and slightly polar, with serine, which is neutral and polar, at codon 628 of the ENPP1 protein (p.Cys628Ser). This variant is not present in population databases (gnomAD no frequency). This variant has not been reported in the literature in individuals affected with ENPP1-related conditions. Advanced modeling of protein sequence and biophysical properties (such as structural, functional, and spatial information, amino acid conservation, physicochemical variation, residue mobility, and thermodynamic stability) performed at Invitae indicates that this missense variant is expected to disrupt ENPP1 protein function with a positive predictive value of 80%. In summary, the available evidence is currently insufficient to determine the role of this variant in disease. Therefore, it has been classified as a Variant of Uncertain Significance.

NM_006208.3(ENPP1):c.1882T>A (p.Cys628Ser)

Gene: ENPP1 (ectonucleotide pyrophosphatase/phosphodiesterase 1; plus strand). Cytogenetic location: 6q23.2.
Variant type: single nucleotide variant.
Coding change: c.1882T>A on transcript NM_006208.3 (MANE Select); coding-DNA position 1882, T replaced by A.
Protein change: p.Cys628Ser; replaces cysteine 628 with serine.
Molecular consequence: missense variant.
Genome position (GRCh38, 1-based): chr6:131,877,150, T>A. VCF-style: chr6-131877150-T-A. GRCh37 (hg19) VCF-style: chr6-132198290-T-A.
Other names: short protein forms C628S.
Identifiers: ClinVar variation 2700876 (VCV002700876.3), dbSNP rs2483513762, ClinGen allele CA365652589.
Genomic context (GRCh38, chr6:131,877,150, plus strand): 5'-GTGCACCCCCTGGTACAGTGCCCCTTCACAAGAAACCCCAGAGATAACCTTGGCTGCTCA[T>A]GTAACCCTTCGGTAAGTATCGTCAAGAAGTTTGGTCCAGTATGTATGGTTTGATAGCACC-3'
Protein context (NP_006199.2, residues 618-638): RNPRDNLGCS[Cys628Ser]NPSILPIEDF